The following is an entry in ClinVar:

ClinVar aggregate classification (germline): Likely benign. Review status: criteria provided, multiple submitters, no conflicts (2 of 4 stars). 3 submissions from 3 submitters: Likely benign (2). 1 of the submissions does not count toward it. Last evaluated 2026-01-29.

Conditions:
Epileptic encephalopathy. Identifiers: MedGen C0543888, HP:0200134.
GABBR2-related disorder. Also called: GABBR2-related disorders; GABBR2-related condition.

Submissions (3):

Labcorp Genetics (formerly Invitae), Labcorp
Classification: Likely benign for Epileptic encephalopathy. Last evaluated: 2026-01-29. Review status: criteria provided, single submitter. Criteria: Invitae Variant Classification Sherloc (09022015). Collection method: clinical testing. Allele origin: germline.

GeneDx
Classification: Likely benign. Last evaluated: 2021-06-23. Review status: criteria provided, single submitter. Criteria: GeneDx Variant Classification Process June 2021. Collection method: clinical testing. Allele origin: germline. Affected: yes.

PreventionGenetics, part of Exact Sciences
Classification: Likely benign for GABBR2-related condition. Last evaluated: 2019-12-26. Review status: no assertion criteria provided. Collection method: clinical testing. Allele origin: germline. Not counted in ClinVar's aggregate classification.
Comment: This variant is classified as likely benign based on ACMG/AMP sequence variant interpretation guidelines (Richards et al. 2015 PMID: 25741868, with internal and published modifications).

NM_005458.8(GABBR2):c.1894-10_1894-9del

Gene: GABBR2 (gamma-aminobutyric acid type B receptor subunit 2; minus strand). Cytogenetic location: 9q22.33.
Variant type: Microsatellite.
Coding change: c.1894-10_1894-9del on transcript NM_005458.8 (MANE Select); 10 bases into the intron before coding-DNA position 1894 through 9 bases into the intron before coding-DNA position 1894, 2 bases deleted (CT; older notation c.1894-10_1894-9delCT).
Molecular consequence: intron variant.
Genome position (GRCh38, 1-based): chr9:98,311,214-98,311,215, AG deleted on the plus strand (CT on the coding strand, the reverse complement: GABBR2 is on the minus strand); deleting any 2 consecutive bases within chr9:98,311,214-98,311,218 gives the same sequence; the c. name uses the placement nearest the transcript's 3' end. VCF-style (leftmost placement, unchanged base first): chr9-98311213-AAG-A. GRCh37 (hg19) VCF-style: chr9-101073495-AAG-A.
Other names: c.1894-10_1894-9del (NM_005458.7).
Identifiers: ClinVar variation 531095 (VCV000531095.15), dbSNP rs780232385, ClinGen allele CA5152576.